The following is an entry in ClinVar:

NM_000245.4(MET):c.3936-13_3936-10del

Gene: MET (MET proto-oncogene, receptor tyrosine kinase; plus strand). Cytogenetic location: 7q31.2.
Variant type: Microsatellite.
Coding change: c.3936-13_3936-10del on transcript NM_000245.4 (MANE Select); 13 bases into the intron before coding-DNA position 3936 through 10 bases into the intron before coding-DNA position 3936, 4 bases deleted (CTTT; older notation c.3936-13_3936-10delCTTT).
Molecular consequence: intron variant.
Genome position (GRCh38, 1-based): chr7:116,795,874-116,795,877, CTTT deleted; deleting any 4 consecutive bases within chr7:116,795,869-116,795,877 gives the same sequence; the c. name uses the placement nearest the transcript's 3' end. VCF-style (leftmost placement, unchanged base first): chr7-116795868-GTCTT-G. GRCh37 (hg19) VCF-style: chr7-116435922-GTCTT-G.
Other names: c.3936-13_3936-10delCTTT (NM_000245.4); c.3990-13_3990-10delCTTT (NM_001127500.2); c.3990-13_3990-10del (NM_001127500.3); c.2646-13_2646-10del (NM_001324402.2).
Identifiers: ClinVar variation 1208570 (VCV001208570.24), dbSNP rs745366999, ClinGen allele CA4448808.

ClinVar aggregate classification (germline): Conflicting classifications of pathogenicity. Review status: criteria provided, conflicting classifications (1 of 4 stars). 8 submissions from 8 submitters: Uncertain significance (3); Benign (1); Likely benign (2). 2 of the submissions do not count toward it. Last evaluated 2026-01-26.

Conditions:
Papillary renal cell carcinoma type 1 (RCCP1). Also called: Renal adenocarcinoma; Renal cell carcinoma 1; Renal cell carcinoma, somatic; RENAL CELL CARCINOMA, PAPILLARY, 1, SOMATIC. Identifiers: Orphanet 47044, MedGen C1336839, OMIM 605074, HP:0011797.
Renal cell carcinoma. Identifiers: Orphanet 217071, MedGen C0007134, MeSH D002292, MONDO:0005086, HP:0005584.

Submissions (8):

Labcorp Genetics (formerly Invitae), Labcorp
Classification: Likely benign for Renal cell carcinoma. Last evaluated: 2026-01-26. Review status: criteria provided, single submitter. Criteria: Invitae Variant Classification Sherloc (09022015). Collection method: clinical testing. Allele origin: germline.

Center for Genomic Medicine, Rigshospitalet, Copenhagen University Hospital
Classification: Uncertain significance. Last evaluated: 2025-03-04. Review status: criteria provided, single submitter. Criteria: ACMG Guidelines, 2015. Collection method: clinical testing. Allele origin: germline.

Myriad Genetics, Inc.
Classification: Likely benign for Papillary renal cell carcinoma type 1. Last evaluated: 2024-11-14. Review status: criteria provided, single submitter. Criteria: Myriad Autosomal Dominant, Autosomal Recessive and X-Linked Classification Criteria (2023). Collection method: clinical testing. Allele origin: unknown.
Comment: This variant is considered likely benign. This variant is intronic and is not expected to impact mRNA splicing. This variant has been observed at a population frequency that is significantly greater than expected given the associated disease prevalence and penetrance.

GeneDx
Classification: Uncertain significance. Last evaluated: 2024-09-13. Review status: criteria provided, single submitter. Criteria: GeneDx Variant Classification Process June 2021. Collection method: clinical testing. Allele origin: germline. Affected: yes.
Comment: In silico analysis is inconclusive as to whether the variant alters gene splicing. In the absence of RNA/functional studies, the actual effect of this sequence change is unknown; Has not been previously published as pathogenic or benign to our knowledge

St. Jude Molecular Pathology, St. Jude Children's Research Hospital
Classification: Uncertain significance for Papillary renal cell carcinoma type 1. Last evaluated: 2024-04-11. Review status: criteria provided, single submitter. Criteria: St. Jude Assertion Criteria 2020. Collection method: clinical testing. Allele origin: germline.
Comment: The MET c.3990-13_3990-10del intronic change results in a deletion of four nucleotides in intron 20 of the MET gene. Algorithms that predict the impact of sequence changes on splicing indicate that this variant does not affect splicing; however RNA data is not available to confirm this prediction. This variant has a maximum subpopulation frequency of 0.042% in gnomAD v2.1.1. This variant has not been reported in individuals with hereditary papillary renal cell carcinoma. In summary, the evidence currently available is insufficient to determine the clinical significance of this variant. It has therefore been classified as of uncertain significance.

Women's Health and Genetics/Laboratory Corporation of America, LabCorp
Classification: Benign. Last evaluated: 2023-07-04. Review status: criteria provided, single submitter. Criteria: LabCorp Variant Classification Summary - May 2015. Collection method: clinical testing. Allele origin: germline.

Clinical Genetics, Academic Medical Center
Classification: Likely benign. Review status: no assertion criteria provided. Collection method: clinical testing. Allele origin: germline. Affected: yes. Study: VKGL Data-share Consensus. Not counted in ClinVar's aggregate classification.

Genome Diagnostics Laboratory, Amsterdam University Medical Center
Classification: Likely benign. Review status: no assertion criteria provided. Collection method: clinical testing. Allele origin: germline. Affected: yes. Study: VKGL Data-share Consensus. Not counted in ClinVar's aggregate classification.